The following is an entry in ClinVar:

ClinVar aggregate classification (germline): Benign. Review status: criteria provided, multiple submitters, no conflicts (2 of 4 stars). 4 submissions from 3 submitters: Benign (4). Last evaluated 2018-06-14.

Conditions:
POLG-related disorder. Also called: POLG-Related Spectrum Disorders; POLG-related condition; POLG-Related Disorders. Identifiers: MedGen C4763519.
Fanconi anemia complementation group I (FANCI). Also called: FANCI-Related Fanconi Anemia. Identifiers: Orphanet 84, MedGen C1836861, MONDO:0012186, OMIM 609053.

Allele frequency attached by ClinVar (database versions not stated): 1000 Genomes Project 0.44589; 1000 Genomes Project 30x 0.45050; TOPMed 0.46870; gnomAD 0.48343.
gnomAD v4.1: 248,390 of 590,666 alleles (42%); highest among the groups gnomAD compares: African/African-American, 63%; 54,176 homozygotes.

Submissions (4):

GeneDx
Classification: Benign. Last evaluated: 2018-06-14. Review status: criteria provided, single submitter. Criteria: GeneDx Variant Classification (06012015). Collection method: clinical testing. Allele origin: germline. Affected: yes.
Comment: This variant is considered likely benign or benign based on one or more of the following criteria: it is a conservative change, it occurs at a poorly conserved position in the protein, it is predicted to be benign by multiple in silico algorithms, and/or has population frequency not consistent with disease.

Illumina Laboratory Services, Illumina
Classification: Benign for POLG-Related Spectrum Disorders. Last evaluated: 2018-01-13. Review status: criteria provided, single submitter. Criteria: ICSL Variant Classification Criteria 13 December 2019. Collection method: clinical testing. Allele origin: germline.
Comment: This variant was observed in the ICSL laboratory as part of a predisposition screen in an ostensibly healthy population. It had not been previously curated by ICSL or reported in the Human Gene Mutation Database (HGMD: prior to June 1st, 2018), and was therefore a candidate for classification through an automated scoring system. Utilizing variant allele frequency, disease prevalence and penetrance estimates, and inheritance mode, an automated score was calculated to assess if this variant is too frequent to cause the disease. Based on the score and internal cut-off values, a variant classified as benign is not then subjected to further curation. The score for this variant resulted in a classification of benign for this disease.

Illumina Laboratory Services, Illumina
Classification: Benign for Fanconi anemia complementation group I. Last evaluated: 2018-01-12. Review status: criteria provided, single submitter. Criteria: ICSL Variant Classification Criteria 13 December 2019. Collection method: clinical testing. Allele origin: germline.
Comment: the same text as in the submission from Illumina Laboratory Services, Illumina above.

Breakthrough Genomics
Classification: Benign. Review status: criteria provided, single submitter. Criteria: ACMG Guidelines, 2015. Collection method: not provided. Allele origin: germline. Inheritance: Autosomal recessive inheritance. Affected: yes.

NM_002693.3(POLG):c.3643+257T>G

Genes: POLG (DNA polymerase gamma, catalytic subunit; minus strand), FANCI (FA complementation group I; plus strand). Cytogenetic location: 15q26.1.
Variant type: single nucleotide variant.
Coding change: c.3643+257T>G on transcript NM_002693.3 (MANE Select); 257 bases into the intron after coding-DNA position 3643, T replaced by G.
Molecular consequence: intron variant. On other transcripts: 3 prime UTR variant (4).
Genome position (GRCh38, 1-based): chr15:89,317,119, A>C on the plus strand (T>G on the coding strand, the complement: POLG is on the minus strand). VCF-style: chr15-89317119-A-C. GRCh37 (hg19) VCF-style: chr15-89860350-A-C.
Other names: c.*660A>C (NM_001113378.2, NM_001376910.1, NM_001376911.1 and 1 more transcripts); c.3643+257T>G (NM_001126131.2).
Identifiers: ClinVar variation 317321 (VCV000317321.7), dbSNP rs1061316, ClinGen allele CA10636637.